The following is an entry in ClinVar:

ClinVar aggregate classification (germline): Likely pathogenic (1 of 4 stars; one submission).

Conditions:
Adams-Oliver syndrome 2 (AOS2). Identifiers: Orphanet 974, MedGen C3280182, MONDO:0013635, OMIM 614219.

Allele frequency attached by ClinVar (database versions not stated): gnomAD exomes below 0.00001; gnomAD 0.00001.
gnomAD v4.1: 4 of 1,613,748 alleles (0.00025%); highest among the groups gnomAD compares: African/African-American, 0.004%; no homozygotes.

Submissions (2):

Greenwood Genetic Center Diagnostic Laboratories, Greenwood Genetic Center
Classification: Likely pathogenic for Adams-Oliver syndrome 2. Last evaluated: 2022-01-20. Review status: criteria provided, single submitter. Criteria: ACMG Guidelines, 2015. Collection method: clinical testing. Allele origin: germline. Affected: yes.
Comment: PVS1, PM2

Dr. Peter K. Rogan Lab, Western University
No classification provided (evidence only). Condition: Malignant tumor of urinary bladder. Review status: no classification provided. Collection method: in vitro. Allele origin: not applicable. Functional consequence: skipped exon, retained intron. Not counted in ClinVar's aggregate classification.

NM_020812.4(DOCK6):c.4203+2T>C

Genes: DOCK6 (dedicator of cytokinesis 6; minus strand), DOCK6-AS1 (DOCK6 antisense RNA 1; plus strand). Cytogenetic location: 19p13.2.
Variant type: single nucleotide variant.
Coding change: c.4203+2T>C on transcript NM_020812.4 (MANE Select); the canonical splice donor site of the intron after coding-DNA position 4203, T replaced by C.
Molecular consequence: splice donor variant.
Genome position (GRCh38, 1-based): chr19:11,214,551, A>G on the plus strand (T>C on the coding strand, the complement: DOCK6 is on the minus strand). VCF-style: chr19-11214551-A-G. GRCh37 (hg19) VCF-style: chr19-11325227-A-G.
Other names: NC_000019.9:g.11325227A>G; c.4308+2T>C (NM_001367830.1).
Identifiers: ClinVar variation 1676533 (VCV001676533.4), dbSNP rs1169546944, ClinGen allele CA404083910.
Genomic context (GRCh38, chr19:11,214,551, plus strand): 5'-AGAGACCACAGGGCACTGCAGTTGGGCTCAGAGCACAAGGCAGATGCTGGATCAAGCCCT[A>G]CCTGCACGATGATCTCCAGTGTGTCCAGAACCACTAGGCTTGCCTCGGTTGCCAGGTTCC-3'